The following is an entry in ClinVar:

ClinVar aggregate classification (germline): Uncertain significance (1 of 4 stars; one submission).

Conditions:
Combined malonic and methylmalonic acidemia. Identifiers: Orphanet 289504, MedGen C3280314, MONDO:0013661, OMIM 614265.

Allele frequency attached by ClinVar (database versions not stated): gnomAD 0.00002; gnomAD exomes 0.00002; ExAC 0.00003; TOPMed 0.00005; ESP Exome Variant Server 0.00008.

Submission:

Labcorp Genetics (formerly Invitae), Labcorp
Classification: Uncertain significance for Combined malonic and methylmalonic acidemia. Last evaluated: 2022-10-19. Review status: criteria provided, single submitter. Criteria: Invitae Variant Classification Sherloc (09022015). Collection method: clinical testing. Allele origin: germline.
Comment: This sequence change replaces histidine, which is basic and polar, with arginine, which is basic and polar, at codon 248 of the ACSF3 protein (p.His248Arg). This variant is present in population databases (rs144818342, gnomAD 0.005%). This variant has not been reported in the literature in individuals affected with ACSF3-related conditions. Advanced modeling of protein sequence and biophysical properties (such as structural, functional, and spatial information, amino acid conservation, physicochemical variation, residue mobility, and thermodynamic stability) performed at Invitae indicates that this missense variant is expected to disrupt ACSF3 protein function. In summary, the available evidence is currently insufficient to determine the role of this variant in disease. Therefore, it has been classified as a Variant of Uncertain Significance.

NM_001243279.3(ACSF3):c.743A>G (p.His248Arg)

Gene: ACSF3 (acyl-CoA synthetase family member 3; plus strand). Cytogenetic location: 16q24.3.
Variant type: single nucleotide variant.
Coding change: c.743A>G on transcript NM_001243279.3 (MANE Select); coding-DNA position 743, A replaced by G.
Protein change: p.His248Arg; replaces histidine 248 with arginine.
Molecular consequence: missense variant. On other transcripts: 5 prime UTR variant (1), non-coding transcript variant (3).
Genome position (GRCh38, 1-based): chr16:89,102,680, A>G. VCF-style: chr16-89102680-A-G. GRCh37 (hg19) VCF-style: chr16-89169088-A-G.
Other names: c.743A>G, p.His248Arg (NM_001127214.4, NM_174917.5); c.-53A>G (NM_001284316.2); short protein forms H248R.
Identifiers: ClinVar variation 2057191 (VCV002057191.1), dbSNP rs144818342, ClinGen allele CA8237780.